The following is an entry in ClinVar:

NM_000069.3(CACNA1S):c.2708G>A (p.Arg903Gln)

Gene: CACNA1S (calcium voltage-gated channel subunit alpha1 S; minus strand). Cytogenetic location: 1q32.1.
Variant type: single nucleotide variant.
Coding change: c.2708G>A on transcript NM_000069.3 (MANE Select); coding-DNA position 2708, G replaced by A.
Protein change: p.Arg903Gln; replaces arginine 903 with glutamine.
Molecular consequence: missense variant.
Genome position (GRCh38, 1-based): chr1:201,066,266, C>T on the plus strand (G>A on the coding strand, the complement: CACNA1S is on the minus strand). VCF-style: chr1-201066266-C-T. GRCh37 (hg19) VCF-style: chr1-201035394-C-T.
Other names: c.2708G>A (NM_000069.2); short protein forms R903Q.
Identifiers: ClinVar variation 1439049 (VCV001439049.8), dbSNP rs1452713683, ClinGen allele CA344102404.
Genomic context (GRCh38, chr1:201,066,266, plus strand): 5'-CTCCTGCCCGGGCCCTCTCTCACCTTCAACCCCTTGGCTCTGTTGATGGCTCTGAGTGGT[C>T]GGAGCACCCTCAGCACCCTCAGGATCTTCACCACGGAGATGGCACTGGACCTGGGGGGCG-3'
Protein context (NP_000060.2, residues 893-913): VKILRVLRVL[Arg903Gln]PLRAINRAKG

ClinVar aggregate classification (germline): Uncertain significance. Review status: criteria provided, multiple submitters, no conflicts (2 of 4 stars). 3 submissions from 3 submitters: Uncertain significance (3). Last evaluated 2026-04-21.

Conditions:
Malignant hyperthermia, susceptibility to, 5 (MHS5). Also called: CACNA1S-Related Malignant Hyperthermia Susceptibility. Identifiers: Orphanet 423, MedGen C1866077, MONDO:0011163, OMIM 601887.
Hypokalemic periodic paralysis, type 1. Also called: HypoPP; Hypokalemic Periodic Paralysis Type 1 (AD). Identifiers: Orphanet 681, MedGen C3714580, MONDO:0042979, OMIM 170400.
Inborn genetic diseases. Identifiers: MedGen C0950123, MeSH D030342.

Allele frequency attached by ClinVar (database versions not stated): gnomAD exomes below 0.00001; TOPMed 0.00001.
gnomAD v4.1: 1 of 1,613,536 alleles (0.000062%); highest among the groups gnomAD compares: Non-Finnish European, 0.000085%; no homozygotes.

Submissions (3):

Ambry Genetics
Classification: Uncertain significance for Inborn genetic diseases. Last evaluated: 2026-04-21. Review status: criteria provided, single submitter. Criteria: Ambry Variant Classification Scheme 2023. Collection method: clinical testing. Allele origin: germline.

Blueprint Genetics
Classification: Uncertain significance. Last evaluated: 2024-09-17. Review status: criteria provided, single submitter. Criteria: ACMG Guidelines, 2015. Collection method: clinical testing. Allele origin: germline.

Labcorp Genetics (formerly Invitae), Labcorp
Classification: Uncertain significance for Hypokalemic periodic paralysis, type 1; Malignant hyperthermia, susceptibility to, 5. Last evaluated: 2021-08-24. Review status: criteria provided, single submitter. Criteria: Invitae Variant Classification Sherloc (09022015). Collection method: clinical testing. Allele origin: germline.
Comment: In summary, the available evidence is currently insufficient to determine the role of this variant in disease. Therefore, it has been classified as a Variant of Uncertain Significance. This sequence change replaces arginine with glutamine at codon 903 of the CACNA1S protein (p.Arg903Gln). The arginine residue is highly conserved and there is a small physicochemical difference between arginine and glutamine. This variant is not present in population databases (ExAC no frequency). This variant has not been reported in the literature in individuals affected with CACNA1S-related conditions. Algorithms developed to predict the effect of missense changes on protein structure and function are either unavailable or do not agree on the potential impact of this missense change (SIFT: "Deleterious"; PolyPhen-2: "Benign"; Align-GVGD: "Class C0").